The following is an entry in ClinVar:

ClinVar aggregate classification (germline): Uncertain significance (1 of 4 stars; one submission).

Allele frequency attached by ClinVar (database versions not stated): gnomAD exomes 0.00002 and 0.00004; TOPMed 0.00003; ExAC 0.00004; gnomAD 0.00005 and 0.00006.
gnomAD v4.1: 43 of 1,614,074 alleles (0.0027%); highest among the groups gnomAD compares: Non-Finnish European, 0.0031%; no homozygotes.

Submission:

Labcorp Genetics (formerly Invitae), Labcorp
Classification: Uncertain significance. Last evaluated: 2021-03-25. Review status: criteria provided, single submitter. Criteria: Invitae Variant Classification Sherloc (09022015). Collection method: clinical testing. Allele origin: germline.
Comment: In summary, the available evidence is currently insufficient to determine the role of this variant in disease. Therefore, it has been classified as a Variant of Uncertain Significance. Algorithms developed to predict the effect of missense changes on protein structure and function are either unavailable or do not agree on the potential impact of this missense change (SIFT: "Deleterious"; PolyPhen-2: "Possibly Damaging"; Align-GVGD: "Class C0"). This variant has not been reported in the literature in individuals with CLP1-related conditions. This variant is present in population databases (rs757398552, ExAC 0.008%). This sequence change replaces arginine with histidine at codon 132 of the CLP1 protein (p.Arg132His). The arginine residue is highly conserved and there is a small physicochemical difference between arginine and histidine.

NM_006831.3(CLP1):c.395G>A (p.Arg132His)

Gene: CLP1 (cleavage factor polyribonucleotide kinase subunit 1; plus strand). Cytogenetic location: 11q12.1.
Variant type: single nucleotide variant.
Coding change: c.395G>A on transcript NM_006831.3 (MANE Select); coding-DNA position 395, G replaced by A.
Protein change: p.Arg132His; replaces arginine 132 with histidine.
Molecular consequence: missense variant.
Genome position (GRCh38, 1-based): chr11:57,659,871, G>A. VCF-style: chr11-57659871-G-A. GRCh37 (hg19) VCF-style: chr11-57427343-G-A.
Other names: c.395G>A, p.Arg132His (NM_001142597.2); short protein forms R132H.
Identifiers: ClinVar variation 1431590 (VCV001431590.8), dbSNP rs757398552, ClinGen allele CA6008514.